The following is an entry in ClinVar:

NM_025114.4(CEP290):c.3020T>C (p.Val1007Ala)

Gene: CEP290 (centrosomal protein 290; minus strand). Cytogenetic location: 12q21.32.
Variant type: single nucleotide variant.
Coding change: c.3020T>C on transcript NM_025114.4 (MANE Select); coding-DNA position 3020, T replaced by C.
Protein change: p.Val1007Ala; replaces valine 1007 with alanine.
Molecular consequence: missense variant.
Genome position (GRCh38, 1-based): chr12:88,096,971, A>G on the plus strand (T>C on the coding strand, the complement: CEP290 is on the minus strand). VCF-style: chr12-88096971-A-G. GRCh37 (hg19) VCF-style: chr12-88490748-A-G.
Other names: c.3020T>C (NM_025114.3); short protein forms V1007A.
Identifiers: ClinVar variation 1359402 (VCV001359402.7), dbSNP rs898733071, ClinGen allele CA241171296.

ClinVar aggregate classification (germline): Uncertain significance. Review status: criteria provided, multiple submitters, no conflicts (2 of 4 stars). 3 submissions from 3 submitters: Uncertain significance (3). Last evaluated 2026-08-25.

Conditions:
Meckel syndrome, type 4 (MKS4). Also called: MECKEL-GRUBER SYNDROME, TYPE 4. Identifiers: Orphanet 564, MedGen C1970161, MONDO:0012626, OMIM 611134.
Bardet-Biedl syndrome 14 (BBS14). Identifiers: Orphanet 110, MedGen C2673874, MONDO:0014442, OMIM 615991.
Senior-Loken syndrome 6 (SLSN6). Identifiers: Orphanet 3156, MedGen C1857779, MONDO:0012433, OMIM 610189.
Joubert syndrome 5 (JBTS5). Identifiers: Orphanet 2318, MedGen C1857780, MONDO:0012432, OMIM 610188.
Leber congenital amaurosis 10 (LCA10). Identifiers: Orphanet 65, MedGen C1857821, MONDO:0012723, OMIM 611755.
CEP290-related disorder. Also called: CEP290-related condition; CEP290-related disorders. Identifiers: MedGen CN239314.
Joubert syndrome. Also called: Familial aplasia of the vermis; JOUBERT-BOLTSHAUSER SYNDROME. Identifiers: Orphanet 475, MedGen C5979921, MONDO:0018772.
Nephronophthisis. Also called: Juvenile Nephronophthisis. Identifiers: Orphanet 655, MedGen C0687120, MONDO:0019005, HP:0000090.
Meckel-Gruber syndrome. Also called: Dysencephalia splachnocystica; GRUBER SYNDROME; DYSENCEPHALIA SPLANCHNOCYSTICA. Identifiers: Orphanet 564, MedGen C0265215, MONDO:0018921.

Allele frequency attached by ClinVar (database versions not stated): TOPMed 0.00001.
gnomAD v4.1: 15 of 1,564,916 alleles (0.00096%); highest among the groups gnomAD compares: Non-Finnish European, 0.0012%; no homozygotes.

Submissions (3):

PreventionGenetics, part of Exact Sciences
Classification: Uncertain significance for CEP290-related condition. Last evaluated: 2026-08-25. Review status: criteria provided, single submitter. Criteria: ACMG Guidelines, 2015. Collection method: clinical testing. Allele origin: germline.
Comment: The CEP290 c.3020T>C variant is predicted to result in the amino acid substitution p.Val1007Ala. To our knowledge, this variant has not been reported in the literature or in a large population database (gnomAD), indicating this variant is rare. At this time, the clinical significance of this variant is uncertain due to the absence of conclusive functional and genetic evidence.

Labcorp Genetics (formerly Invitae), Labcorp
Classification: Uncertain significance for Joubert syndrome; Meckel-Gruber syndrome; Nephronophthisis. Last evaluated: 2022-03-10. Review status: criteria provided, single submitter. Criteria: Invitae Variant Classification Sherloc (09022015). Collection method: clinical testing. Allele origin: germline.
Comment: This sequence change replaces valine, which is neutral and non-polar, with alanine, which is neutral and non-polar, at codon 1007 of the CEP290 protein (p.Val1007Ala). This variant is not present in population databases (gnomAD no frequency). This variant has not been reported in the literature in individuals affected with CEP290-related conditions. Algorithms developed to predict the effect of missense changes on protein structure and function are either unavailable or do not agree on the potential impact of this missense change (SIFT: "Deleterious"; PolyPhen-2: "Benign"; Align-GVGD: "Class C0"). In summary, the available evidence is currently insufficient to determine the role of this variant in disease. Therefore, it has been classified as a Variant of Uncertain Significance.

Fulgent Genetics
Classification: Uncertain significance for Joubert syndrome 5; Senior-Loken syndrome 6; Meckel syndrome, type 4; Leber congenital amaurosis 10; Bardet-Biedl syndrome 14. Last evaluated: 2021-12-08. Review status: criteria provided, single submitter. Criteria: ACMG Guidelines, 2015. Collection method: clinical testing. Allele origin: unknown.